The following is an entry in ClinVar:

ClinVar aggregate classification (germline): Uncertain significance (1 of 4 stars; one submission).

Submission:

Labcorp Genetics (formerly Invitae), Labcorp
Classification: Uncertain significance. Last evaluated: 2023-05-23. Review status: criteria provided, single submitter. Criteria: Invitae Variant Classification Sherloc (09022015). Collection method: clinical testing. Allele origin: germline.
Comment: This sequence change replaces glycine, which is neutral and non-polar, with arginine, which is basic and polar, at codon 6 of the CA2 protein (p.Gly6Arg). This variant is not present in population databases (gnomAD no frequency). This variant has not been reported in the literature in individuals affected with CA2-related conditions. ClinVar contains an entry for this variant (Variation ID: 2110074). Advanced modeling of protein sequence and biophysical properties (such as structural, functional, and spatial information, amino acid conservation, physicochemical variation, residue mobility, and thermodynamic stability) has been performed at Invitae for this missense variant, however the output from this modeling did not meet the statistical confidence thresholds required to predict the impact of this variant on CA2 protein function. In summary, the available evidence is currently insufficient to determine the role of this variant in disease. Therefore, it has been classified as a Variant of Uncertain Significance.

NM_000067.3(CA2):c.16G>C (p.Gly6Arg)

Genes: CA2 (carbonic anhydrase 2; plus strand), CA3-AS1 (CA3 antisense RNA 1; minus strand). Cytogenetic location: 8q21.2.
Variant type: single nucleotide variant.
Coding change: c.16G>C on transcript NM_000067.3 (MANE Select); coding-DNA position 16, G replaced by C.
Protein change: p.Gly6Arg; replaces glycine 6 with arginine.
Molecular consequence: missense variant. On other transcripts: 5 prime UTR variant (1).
Genome position (GRCh38, 1-based): chr8:85,464,097, G>C. VCF-style: chr8-85464097-G-C. GRCh37 (hg19) VCF-style: chr8-86376326-G-C.
Other names: c.-169G>C (NM_001293675.2); short protein forms G6R.
Identifiers: ClinVar variation 2110074 (VCV002110074.4), dbSNP rs1219072767, ClinGen allele CA371423016.